The following is an entry in ClinVar:

NM_001386140.1(MTTP):c.1529G>A (p.Arg510Lys)

Gene: MTTP (microsomal triglyceride transfer protein; plus strand). Cytogenetic location: 4q23.
Variant type: single nucleotide variant.
Coding change: c.1529G>A on transcript NM_001386140.1 (MANE Select); coding-DNA position 1529, G replaced by A.
Protein change: p.Arg510Lys; replaces arginine 510 with lysine.
Molecular consequence: missense variant.
Genome position (GRCh38, 1-based): chr4:99,606,932, G>A. VCF-style: chr4-99606932-G-A. GRCh37 (hg19) VCF-style: chr4-100528089-G-A.
Other names: c.1529G>A, p.Arg510Lys (NM_000253.4); c.1280G>A, p.Arg427Lys (NM_001300785.2); short protein forms R427K, R510K.
Identifiers: ClinVar variation 1368586 (VCV001368586.8), dbSNP rs1019346199, ClinGen allele CA357511046.

ClinVar aggregate classification (germline): Uncertain significance (1 of 4 stars; one submission).

gnomAD v4.1: 2 of 1,613,572 alleles (0.00012%); highest among the groups gnomAD compares: Non-Finnish European, 0.00017%; no homozygotes.

Submission:

Labcorp Genetics (formerly Invitae), Labcorp
Classification: Uncertain significance. Last evaluated: 2021-05-17. Review status: criteria provided, single submitter. Criteria: Invitae Variant Classification Sherloc (09022015). Collection method: clinical testing. Allele origin: germline.
Comment: This sequence change replaces arginine with lysine at codon 510 of the MTTP protein (p.Arg510Lys). The arginine residue is moderately conserved and there is a small physicochemical difference between arginine and lysine. This variant is not present in population databases (ExAC no frequency). This variant has not been reported in the literature in individuals with MTTP-related conditions. Algorithms developed to predict the effect of missense changes on protein structure and function are either unavailable or do not agree on the potential impact of this missense change (SIFT: "Tolerated"; PolyPhen-2: "Possibly Damaging"; Align-GVGD: "Class C0"). In summary, the available evidence is currently insufficient to determine the role of this variant in disease. Therefore, it has been classified as a Variant of Uncertain Significance.